The following is an entry in ClinVar:

ClinVar aggregate classification (germline): Uncertain significance (1 of 4 stars; one submission).

Conditions:
Inborn genetic diseases. Identifiers: MedGen C0950123, MeSH D030342.

gnomAD v4.1: 2 of 1,337,082 alleles (0.00015%); highest among the groups gnomAD compares: Non-Finnish European, 0.00019%; no homozygotes.

Submission:

Ambry Genetics
Classification: Uncertain significance for Inborn genetic diseases. Last evaluated: 2026-05-27. Review status: criteria provided, single submitter. Criteria: Ambry Variant Classification Scheme 2023. Collection method: clinical testing. Allele origin: germline.
Comment: The c.622C>A (p.R208S) alteration is located in exon 1 (coding exon 1) of the CDK13 gene. This alteration results from a C to A substitution at nucleotide position 622, causing the arginine (R) at amino acid position 208 to be replaced by a serine (S). This variant was not reported in population-based cohorts in the Genome Aggregation Database (gnomAD). This amino acid position is not well conserved in available vertebrate species. This missense alteration is located in a region that has a low rate of benign missense variation (Lek, 2016; Firth, 2009). This alteration is predicted to be tolerated by in silico analysis. Based on insufficient or conflicting evidence, the clinical significance of this alteration remains unclear.

NM_003718.5(CDK13):c.622C>A (p.Arg208Ser)

Gene: CDK13 (cyclin dependent kinase 13; plus strand). Cytogenetic location: 7p14.1.
Variant type: single nucleotide variant.
Coding change: c.622C>A on transcript NM_003718.5 (MANE Select); coding-DNA position 622, C replaced by A.
Protein change: p.Arg208Ser; replaces arginine 208 with serine.
Molecular consequence: missense variant.
Genome position (GRCh38, 1-based): chr7:39,951,263, C>A. VCF-style: chr7-39951263-C-A. GRCh37 (hg19) VCF-style: chr7-39990862-C-A.
Other names: c.622C>A, p.Arg208Ser (NM_031267.4); short protein forms R208S.
Identifiers: ClinVar variation 2477108 (VCV002477108.3), dbSNP rs1406147230, ClinGen allele CA367310117.